The following is an entry in ClinVar:

ClinVar aggregate classification (germline): Uncertain significance (1 of 4 stars; one submission).

Conditions:
Benign neonatal seizures. Also called: Convulsions benign familial neonatal dominant form; Autosomal dominant form of benign neonatal seizures; Benign familial neonatal seizures; Benign neonatal familial convulsions; Benign familial neonatal epilepsy. Identifiers: Orphanet 1949, MedGen C0220669, MONDO:0016027.

Allele frequency attached by ClinVar (database versions not stated): gnomAD exomes below 0.00001; ExAC 0.00002.

Submission:

Labcorp Genetics (formerly Invitae), Labcorp
Classification: Uncertain significance for Benign neonatal seizures. Last evaluated: 2024-11-07. Review status: criteria provided, single submitter. Criteria: Invitae Variant Classification Sherloc (09022015). Collection method: clinical testing. Allele origin: germline.
Comment: This sequence change replaces glycine, which is neutral and non-polar, with glutamic acid, which is acidic and polar, at codon 491 of the KCNQ3 protein (p.Gly491Glu). The frequency data for this variant in the population databases is considered unreliable, as metrics indicate poor data quality at this position in the gnomAD database. This variant has not been reported in the literature in individuals affected with KCNQ3-related conditions. ClinVar contains an entry for this variant (Variation ID: 658569). Invitae Evidence Modeling of protein sequence and biophysical properties (such as structural, functional, and spatial information, amino acid conservation, physicochemical variation, residue mobility, and thermodynamic stability) indicates that this missense variant is not expected to disrupt KCNQ3 protein function with a negative predictive value of 80%. In summary, the available evidence is currently insufficient to determine the role of this variant in disease. Therefore, it has been classified as a Variant of Uncertain Significance.

NM_004519.4(KCNQ3):c.1472G>A (p.Gly491Glu)

Gene: KCNQ3 (potassium voltage-gated channel subfamily Q member 3; minus strand). Cytogenetic location: 8q24.22.
Variant type: single nucleotide variant.
Coding change: c.1472G>A on transcript NM_004519.4 (MANE Select); coding-DNA position 1472, G replaced by A.
Protein change: p.Gly491Glu; replaces glycine 491 with glutamic acid.
Molecular consequence: missense variant.
Genome position (GRCh38, 1-based): chr8:132,140,172, C>T on the plus strand (G>A on the coding strand, the complement: KCNQ3 is on the minus strand). VCF-style: chr8-132140172-C-T. GRCh37 (hg19) VCF-style: chr8-133152419-C-T.
Other names: c.1112G>A, p.Gly371Glu (NM_001204824.2); short protein forms G371E, G491E.
Identifiers: ClinVar variation 658569 (VCV000658569.6), dbSNP rs753920912, ClinGen allele CA4880682.
Genomic context (GRCh38, chr8:132,140,172, plus strand): 5'-ATGTCTTCGATGGGGAAGTCATTCCCATAGCCCCTGTCTTCCGCCATGGGGTCACCTGTC[C>T]CGGCATCTGGGAGGGAGACACACATATGAACGGCAGGCCACAGACCTGGAAAAGGCTTGG-3'
Protein context (NP_004510.1, residues 481-501): YAFWQSSEDA[Gly491Glu]TGDPMAEDRG